The following is an entry in ClinVar:

NM_000503.6(EYA1):c.1632del (p.Arg544fs)

Gene: EYA1 (EYA transcriptional coactivator and phosphatase 1; minus strand). Cytogenetic location: 8q13.3.
Variant type: Deletion.
Coding change: c.1632del on transcript NM_000503.6 (MANE Select); coding-DNA position 1632, one base deleted (G; older notation c.1632delG).
Protein change: p.Arg544fs; shifts the reading frame from arginine 544.
Molecular consequence: frameshift variant.
Genome position (GRCh38, 1-based): chr8:71,211,222, C deleted on the plus strand (G on the coding strand, the reverse complement: EYA1 is on the minus strand); the first of 2 consecutive C bases (chr8:71,211,222-71,211,223); deleting either gives the same sequence. VCF-style (leftmost placement, unchanged base first): chr8-71211221-AC-A. GRCh37 (hg19) VCF-style: chr8-72123456-AC-A.
Other names: c.1614del, p.Arg538fs (NM_001288574.2, NM_172059.5); c.1266del, p.Arg422fs (NM_001288575.2); c.1719del, p.Arg573fs (NM_001370333.1); c.1632del, p.Arg544fs (NM_001370334.1, NM_001370335.1, NM_172058.4); c.1611del, p.Arg537fs (NM_001370336.1); c.1533del, p.Arg511fs (NM_001411797.1, NM_172060.4); c.1632delG (NM_000503.6); short protein forms R422fs, R511fs, R537fs, R538fs, R544fs, R573fs.
Identifiers: ClinVar variation 3601102 (VCV003601102.1).

ClinVar aggregate classification (germline): Likely pathogenic (1 of 4 stars; one submission).

Conditions:
Branchiootorenal syndrome 1. Also called: Branchio-Oto-Renal Syndrome 1. Identifiers: Orphanet 107, MedGen C4551702, MONDO:0007236, OMIM 113650.

Submission:

Institute of Rare Diseases, West China Hospital, Sichuan University
Classification: Likely pathogenic for Branchiootorenal syndrome 1. Last evaluated: 2025-01-09. Review status: criteria provided, single submitter. Criteria: ClinGen HL ACMG Specifications v1. Collection method: research. Allele origin: germline. Affected: yes.
Comment: PVS1;PM2_Supporting